The following is an entry in ClinVar:

NM_002633.3(PGM1):c.1029-2A>C

Gene: PGM1 (phosphoglucomutase 1; plus strand). Cytogenetic location: 1p31.3.
Variant type: single nucleotide variant.
Coding change: c.1029-2A>C on transcript NM_002633.3 (MANE Select); the canonical splice acceptor site of the intron before coding-DNA position 1029, A replaced by C.
Molecular consequence: splice acceptor variant.
Genome position (GRCh38, 1-based): chr1:63,638,683, A>C. VCF-style: chr1-63638683-A-C. GRCh37 (hg19) VCF-style: chr1-64104354-A-C.
Other names: c.438-2A>C (NM_001172819.2); c.1083-2A>C (NM_001172818.1).
Identifiers: ClinVar variation 5006973 (VCV005006973.2).
Genomic context (GRCh38, chr1:63,638,683, plus strand): 5'-TCCCTCACATGGCCACGCTAACAGTCCTGCTGTGATGTAACTTTGATTTCATGCCTTTGA[A>C]GGGTGGCTAGTGCTACAAAGATTGCTTTGTATGAGACCCCAACTGGCTGGAAGTTTTTTG-3'

ClinVar aggregate classification (germline): Likely pathogenic (1 of 4 stars; one submission).

Conditions:
PGM1-congenital disorder of glycosylation. Also called: PHOSPHOGLUCOMUTASE 1 DEFICIENCY; PGM1 DEFICIENCY; GLYCOGEN STORAGE DISEASE XIV; GSD XIV; CDG It; Congenital disorder of glycosylation type 1t. Identifiers: Orphanet 319646, MedGen C2752015, MONDO:0013968, OMIM 614921.

Submission:

Juno Genomics, Hangzhou Juno Genomics, Inc
Classification: Likely pathogenic for PGM1-congenital disorder of glycosylation. Review status: criteria provided, single submitter. Criteria: ACMG Guidelines, 2015. Collection method: clinical testing. Allele origin: germline.
Comment: Null variant in a gene where loss of function (LOF) is a known mechanism of disease.;Absent from controls (or at extremely low frequency if recessive) in Genome Aggregation Database.